The following is an entry in ClinVar:

ClinVar aggregate classification (germline): Likely benign (0 of 4 stars; one submission).

Conditions:
GFRA1-related disorder. Also called: GFRA1-related condition.

Allele frequency attached by ClinVar (database versions not stated): ESP Exome Variant Server 0.00046.
gnomAD v4.1: 490 of 1,612,442 alleles (0.03%); highest among the groups gnomAD compares: Non-Finnish European, 0.039%; no homozygotes.

Submission:

PreventionGenetics, part of Exact Sciences
Classification: Likely benign for GFRA1-related condition. Last evaluated: 2019-05-23. Review status: no assertion criteria provided. Collection method: clinical testing. Allele origin: germline.
Comment: This variant is classified as likely benign based on ACMG/AMP sequence variant interpretation guidelines (Richards et al. 2015 PMID: 25741868, with internal and published modifications).

NM_005264.8(GFRA1):c.770+5G>T

Gene: GFRA1 (GDNF family receptor alpha 1; minus strand). Cytogenetic location: 10q25.3.
Variant type: single nucleotide variant.
Coding change: c.770+5G>T on transcript NM_005264.8 (MANE Select); 5 bases into the intron after coding-DNA position 770, G replaced by T.
Molecular consequence: intron variant.
Genome position (GRCh38, 1-based): chr10:116,125,216, C>A on the plus strand (G>T on the coding strand, the complement: GFRA1 is on the minus strand). VCF-style: chr10-116125216-C-A. GRCh37 (hg19) VCF-style: chr10-117884727-C-A.
Other names: c.755+5G>T (NM_001382557.2, NM_001382556.2, NM_001145453.4 and 6 more transcripts); c.770+5G>T (NM_001348098.4); c.407+5G>T (NM_001348099.3).
Identifiers: ClinVar variation 3038464 (VCV003038464.2), dbSNP rs376239327, ClinGen allele CA5705321.